The following is an entry in ClinVar:

GRCh37/hg19 10p11.21(chr10:35061767-35157790)x3

Gene: PARD3 (par-3 family cell polarity regulator; minus strand). Cytogenetic location: 10p11.21.
Variant type: copy number gain.
Change: copy number 3 (three copies instead of two) of chr10:35,061,767-35,157,790 (96.0 kb, GRCh37 coordinates, 1-based), cytogenetic band 10p11.21.
Identifiers: ClinVar variation 394644 (VCV000394644.3).

ClinVar aggregate classification (germline): Benign/Likely benign (0 of 4 stars; one submission).

Submission:

ISCA Site 6
Classification: Benign/Likely benign. Review status: no assertion criteria provided. Collection method: clinical testing. Allele origin: unknown. Affected: yes. Observed: 2 variant alleles.
Comment: Likely benign (1), Benign (1)

Copy number variation identified through the course of routine clinical cytogenomic testing in postnatal populations, with clinical assertions as classified by the original submitter. For data from the original published study, Kaminsky, et al. 2011 (PubMed 21844811), please see nstd101.